The following is an entry in ClinVar:

ClinVar aggregate classification (germline): Pathogenic/Likely pathogenic. Review status: criteria provided, multiple submitters, no conflicts (2 of 4 stars). 2 submissions from 2 submitters: Pathogenic (1); Likely pathogenic (1). Last evaluated 2024-02-17.

Conditions:
Cockayne syndrome type 1. Also called: Cockayne syndrome type I; Cockayne syndrome classical; Cockayne syndrome classic form. Identifiers: Orphanet 191, Orphanet 90321, MedGen C0751039, MONDO:0019569, OMIM 216400.
UV-sensitive syndrome 2 (UVSS2). Identifiers: Orphanet 178338, MedGen C3553298, MONDO:0013829, OMIM 614621.

Allele frequency attached by ClinVar (database versions not stated): gnomAD 0.00001.
gnomAD v4.1: 1 of 1,609,664 alleles (0.000062%); highest among the groups gnomAD compares: Non-Finnish European, 0.000085%; no homozygotes.

Submissions (2):

Fulgent Genetics
Classification: Likely pathogenic for Cockayne syndrome type 1; UV-sensitive syndrome 2. Last evaluated: 2024-02-17. Review status: criteria provided, single submitter. Criteria: ACMG Guidelines, 2015. Collection method: clinical testing. Allele origin: germline.

Labcorp Genetics (formerly Invitae), Labcorp
Classification: Pathogenic. Last evaluated: 2020-07-20. Review status: criteria provided, single submitter. Criteria: Invitae Variant Classification Sherloc (09022015). Collection method: clinical testing. Allele origin: germline.
Comment: For these reasons, this variant has been classified as Pathogenic. This sequence change affects a donor splice site in intron 10 of the ERCC8 gene. It is expected to disrupt RNA splicing and likely results in an absent or disrupted protein product. This variant is not present in population databases (ExAC no frequency). This variant has been observed in individual(s) with clinical features of Cockayne syndrome (PMID: 27004399). In at least one individual the data is consistent with the variant being in trans (on the opposite chromosome) from a pathogenic variant. Algorithms developed to predict the effect of sequence changes on RNA splicing suggest that this variant may disrupt the consensus splice site, but this prediction has not been confirmed by published transcriptional studies. Donor and acceptor splice site variants typically lead to a loss of protein function (PMID: 16199547), and loss-of-function variants in ERCC8 are known to be pathogenic (PMID: 29572252).

Literature cited by the submitters: PubMed 27004399 (cited by Labcorp Genetics (formerly Invitae), Labcorp); PubMed 16199547 (cited by Labcorp Genetics (formerly Invitae), Labcorp); PubMed 29572252 (cited by Labcorp Genetics (formerly Invitae), Labcorp).

NM_000082.4(ERCC8):c.1041+1G>T

Gene: ERCC8 (ERCC excision repair 8, CSA ubiquitin ligase complex subunit; minus strand). Cytogenetic location: 5q12.1.
Variant type: single nucleotide variant.
Coding change: c.1041+1G>T on transcript NM_000082.4 (MANE Select); the canonical splice donor site of the intron after coding-DNA position 1041, G replaced by T.
Molecular consequence: splice donor variant.
Genome position (GRCh38, 1-based): chr5:60,890,888, C>A on the plus strand (G>T on the coding strand, the complement: ERCC8 is on the minus strand). VCF-style: chr5-60890888-C-A. GRCh37 (hg19) VCF-style: chr5-60186715-C-A.
Other names: c.582+1G>T (NM_001290285.2); c.867+1G>T (NM_001007233.3).
Identifiers: ClinVar variation 1075397 (VCV001075397.10), dbSNP rs1290416270, ClinGen allele CA359823000.